The following is an entry in ClinVar:

ClinVar aggregate classification (germline): Uncertain significance. Review status: criteria provided, multiple submitters, no conflicts (2 of 4 stars). 3 submissions from 3 submitters: Uncertain significance (3). Last evaluated 2025-11-10.

Conditions:
Hereditary cancer-predisposing syndrome. Also called: Hereditary Cancer Syndrome; Tumor predisposition; Neoplastic Syndromes, Hereditary; Hereditary neoplastic syndrome. Identifiers: Orphanet 140162, MedGen C0027672, MeSH D009386, MONDO:0015356.
Peutz-Jeghers syndrome (PJS). Also called: POLYPOSIS, HAMARTOMATOUS INTESTINAL; POLYPS-AND-SPOTS SYNDROME; Peutz-Jeghers polyposis; Periorificial lentiginosis syndrome. Identifiers: Orphanet 2869, MedGen C0031269, MeSH D010580, MONDO:0008280, OMIM 175200.

Submissions (3):

Labcorp Genetics (formerly Invitae), Labcorp
Classification: Uncertain significance for Peutz-Jeghers syndrome. Last evaluated: 2025-11-10. Review status: criteria provided, single submitter. Criteria: Invitae Variant Classification Sherloc (09022015). Collection method: clinical testing. Allele origin: germline.
Comment: This sequence change replaces glutamic acid, which is acidic and polar, with glutamine, which is neutral and polar, at codon 2 of the STK11 protein (p.Glu2Gln). This variant is not present in population databases (gnomAD no frequency). This variant has not been reported in the literature in individuals affected with STK11-related conditions. ClinVar contains an entry for this variant (Variation ID: 649900). Invitae Evidence Modeling of protein sequence and biophysical properties (such as structural, functional, and spatial information, amino acid conservation, physicochemical variation, residue mobility, and thermodynamic stability) has been performed for this missense variant. However, the output from this modeling did not meet the statistical confidence thresholds required to predict the impact of this variant on STK11 protein function. In summary, the available evidence is currently insufficient to determine the role of this variant in disease. Therefore, it has been classified as a Variant of Uncertain Significance.

Ambry Genetics
Classification: Uncertain significance for Hereditary cancer-predisposing syndrome. Last evaluated: 2025-06-06. Review status: criteria provided, single submitter. Criteria: Ambry Variant Classification Scheme 2023. Collection method: clinical testing. Allele origin: germline.
Comment: The p.E2Q variant (also known as c.4G>C), located in coding exon 1 of the STK11 gene, results from a G to C substitution at nucleotide position 4. The glutamic acid at codon 2 is replaced by glutamine, an amino acid with highly similar properties. This amino acid position is poorly conserved in available vertebrate species. In addition, this alteration is predicted to be tolerated by in silico analysis. Since supporting evidence is limited at this time, the clinical significance of this alteration remains unclear.

Sema4
Classification: Uncertain significance for Hereditary cancer-predisposing syndrome. Last evaluated: 2022-03-10. Review status: criteria provided, single submitter. Criteria: Sema4 Curation Guidelines. Collection method: curation. Allele origin: germline.
Comment: The STK11 c.4G>C (p.E2Q) variant has not been reported in the literature to our knowledge. This variant is not reported in the population database Genome Aggregation Database (PMID: 32461654). The variant has been reported in ClinVar (Variation ID: 649900). Functional studies have not been performed, and in silico predictions of the variant's effect on protein function are inconclusive. The evidence is insufficient to meet ACMG/AMP criteria for classifying the variant as benign or pathogenic. Thus, the clinical significance of this variant is currently uncertain.

NM_000455.5(STK11):c.4G>C (p.Glu2Gln)

Gene: STK11 (serine/threonine kinase 11; plus strand). Cytogenetic location: 19p13.3.
Variant type: single nucleotide variant.
Coding change: c.4G>C on transcript NM_000455.5 (MANE Select); coding-DNA position 4, G replaced by C.
Protein change: p.Glu2Gln; replaces glutamic acid 2 with glutamine.
Molecular consequence: missense variant.
Genome position (GRCh38, 1-based): chr19:1,206,917, G>C. VCF-style: chr19-1206917-G-C. GRCh37 (hg19) VCF-style: chr19-1206916-G-C.
Other names: short protein forms E2Q.
Identifiers: ClinVar variation 649900 (VCV000649900.12), dbSNP rs1599914695, ClinGen allele CA402942914.